The following is an entry in ClinVar:

ClinVar aggregate classification (germline): Conflicting classifications of pathogenicity. Review status: criteria provided, conflicting classifications (1 of 4 stars). 2 submissions from 2 submitters: Uncertain significance (1); Likely benign (1). Last evaluated 2025-11-17.

Conditions:
Inborn genetic diseases. Identifiers: MedGen C0950123, MeSH D030342.

Allele frequency attached by ClinVar (database versions not stated): ExAC 0.00002; gnomAD exomes 0.00003 and 0.00005; gnomAD 0.00006; TOPMed 0.00006.
gnomAD v4.1: 72 of 1,601,550 alleles (0.0045%); highest among the groups gnomAD compares: Non-Finnish European, 0.006%; no homozygotes.

Submissions (2):

Labcorp Genetics (formerly Invitae), Labcorp
Classification: Uncertain significance. Last evaluated: 2025-11-17. Review status: criteria provided, single submitter. Criteria: Invitae Variant Classification Sherloc (09022015). Collection method: clinical testing. Allele origin: germline.
Comment: This sequence change replaces threonine, which is neutral and polar, with alanine, which is neutral and non-polar, at codon 288 of the GATAD2B protein (p.Thr288Ala). This variant is present in population databases (rs756298987, gnomAD 0.006%). This variant has not been reported in the literature in individuals affected with GATAD2B-related conditions. ClinVar contains an entry for this variant (Variation ID: 1446466). Invitae Evidence Modeling of protein sequence and biophysical properties (such as structural, functional, and spatial information, amino acid conservation, physicochemical variation, residue mobility, and thermodynamic stability) indicates that this missense variant is not expected to disrupt GATAD2B protein function with a negative predictive value of 80%. In summary, the available evidence is currently insufficient to determine the role of this variant in disease. Therefore, it has been classified as a Variant of Uncertain Significance.

Ambry Genetics
Classification: Likely benign for Inborn genetic diseases. Last evaluated: 2023-08-19. Review status: criteria provided, single submitter. Criteria: Ambry Variant Classification Scheme 2023. Collection method: clinical testing. Allele origin: germline.

NM_020699.4(GATAD2B):c.862A>G (p.Thr288Ala)

Gene: GATAD2B (GATA zinc finger domain containing 2B; minus strand). Cytogenetic location: 1q21.3.
Variant type: single nucleotide variant.
Coding change: c.862A>G on transcript NM_020699.4 (MANE Select); coding-DNA position 862, A replaced by G.
Protein change: p.Thr288Ala; replaces threonine 288 with alanine.
Molecular consequence: missense variant.
Genome position (GRCh38, 1-based): chr1:153,817,410, T>C on the plus strand (A>G on the coding strand, the complement: GATAD2B is on the minus strand). VCF-style: chr1-153817410-T-C. GRCh37 (hg19) VCF-style: chr1-153789886-T-C.
Other names: c.862A>G (NM_020699.2); short protein forms T288A.
Identifiers: ClinVar variation 1446466 (VCV001446466.9), dbSNP rs756298987, ClinGen allele CA1120756.